The following is an entry in ClinVar:

NM_004656.4(BAP1):c.994C>T (p.Pro332Ser)

Gene: BAP1 (BRCA1 associated deubiquitinase 1; minus strand). Cytogenetic location: 3p21.1.
Variant type: single nucleotide variant.
Coding change: c.994C>T on transcript NM_004656.4 (MANE Select); coding-DNA position 994, C replaced by T.
Protein change: p.Pro332Ser; replaces proline 332 with serine.
Molecular consequence: missense variant.
Genome position (GRCh38, 1-based): chr3:52,405,232, G>A on the plus strand (C>T on the coding strand, the complement: BAP1 is on the minus strand). VCF-style: chr3-52405232-G-A. GRCh37 (hg19) VCF-style: chr3-52439248-G-A.
Other names: short protein forms P332S.
Identifiers: ClinVar variation 1003498 (VCV001003498.2), dbSNP rs1705111579, ClinGen allele CA353106055.

ClinVar aggregate classification (germline): Uncertain significance (1 of 4 stars; one submission).

Conditions:
BAP1-related tumor predisposition syndrome (TPDS1). Also called: Tumor susceptibility linked to germline BAP1 mutations; BAP1 tumor predisposition syndrome; TUMOR PREDISPOSITION SYNDROME 1; COMMON Syndrome. Identifiers: Orphanet 289539, MedGen C3280492, MONDO:0013692, OMIM 614327.

Submission:

Labcorp Genetics (formerly Invitae), Labcorp
Classification: Uncertain significance for BAP1-related tumor predisposition syndrome. Last evaluated: 2021-08-31. Review status: criteria provided, single submitter. Criteria: Invitae Variant Classification Sherloc (09022015). Collection method: clinical testing. Allele origin: germline.
Comment: This sequence change replaces proline with serine at codon 332 of the BAP1 protein (p.Pro332Ser). The proline residue is weakly conserved and there is a moderate physicochemical difference between proline and serine. This variant is not present in population databases (ExAC no frequency). This variant has not been reported in the literature in individuals affected with BAP1-related conditions. Algorithms developed to predict the effect of missense changes on protein structure and function output the following: SIFT: "Tolerated"; PolyPhen-2: "Benign"; Align-GVGD: "Class C0". The serine amino acid residue is found in multiple mammalian species, which suggests that this missense change does not adversely affect protein function. In summary, the available evidence is currently insufficient to determine the role of this variant in disease. Therefore, it has been classified as a Variant of Uncertain Significance.